The following is an entry in ClinVar:

ClinVar aggregate classification (germline): Benign/Likely benign. Review status: criteria provided, multiple submitters, no conflicts (2 of 4 stars). 14 submissions from 14 submitters: Benign (10); Likely benign (2). 2 of the submissions do not count toward it. Last evaluated 2026-06-12.

Conditions:
Charcot-Marie-Tooth disease. Also called: Charcot-Marie-Tooth Neuropathy; Charcot-Marie-Tooth Hereditary Neuropathy. Identifiers: Orphanet 166, MedGen C0007959, MONDO:0015626.
Charcot-Marie-Tooth disease axonal type 2S. Also called: CHARCOT-MARIE-TOOTH NEUROPATHY, TYPE 2S; CHARCOT-MARIE-TOOTH DISEASE, AXONAL, AUTOSOMAL RECESSIVE, TYPE 2S. Identifiers: Orphanet 443073, MedGen C4015349, MONDO:0014511, OMIM 616155.
Autosomal recessive distal spinal muscular atrophy 1. Also called: SPINAL MUSCULAR ATROPHY, DIAPHRAGMATIC; Spinal muscular atrophy with respiratory distress 1; NEURONOPATHY, DISTAL HEREDITARY MOTOR, HARDING TYPE VI; NEUROPATHY, DISTAL HEREDITARY MOTOR, AUTOSOMAL RECESSIVE 1; HMN VI; NEURONOPATHY, SEVERE INFANTILE AXONAL, WITH RESPIRATORY FAILURE. Identifiers: Orphanet 98920, MedGen C1858517, MONDO:0011436, OMIM 604320.

Allele frequency attached by ClinVar (database versions not stated): 1000 Genomes Project 0.11981; 1000 Genomes Project 30x 0.12102; ExAC 0.18192; gnomAD exomes 0.18241 and 0.22208; gnomAD 0.18491 and 0.19067; TOPMed 0.19357; ESP Exome Variant Server 0.20573.
gnomAD v4.1: 352,342 of 1,613,918 alleles (22%); highest among the groups gnomAD compares: Non-Finnish European, 25%; 41,567 homozygotes.

Submissions (14):

Women's Health and Genetics/Laboratory Corporation of America, LabCorp
Classification: Likely benign. Last evaluated: 2026-06-12. Review status: criteria provided, single submitter. Criteria: LabCorp Variant Classification Summary - May 2015. Collection method: clinical testing. Allele origin: germline.

Labcorp Genetics (formerly Invitae), Labcorp
Classification: Benign for Autosomal recessive distal spinal muscular atrophy 1; Charcot-Marie-Tooth disease axonal type 2S. Last evaluated: 2026-02-04. Review status: criteria provided, single submitter. Criteria: Invitae Variant Classification Sherloc (09022015). Collection method: clinical testing. Allele origin: germline.

Blueprint Genetics
Classification: Likely benign. Last evaluated: 2024-11-27. Review status: criteria provided, single submitter. Criteria: ACMG Guidelines, 2015. Collection method: clinical testing. Allele origin: germline.

Genome-Nilou Lab
Classification: Benign for Charcot-Marie-Tooth disease axonal type 2S. Last evaluated: 2021-08-10. Review status: criteria provided, single submitter. Criteria: ACMG Guidelines, 2015. Collection method: clinical testing. Allele origin: germline. Affected: no.

Illumina Laboratory Services, Illumina
Classification: Benign for Autosomal recessive distal spinal muscular atrophy 1. Last evaluated: 2018-01-12. Review status: criteria provided, single submitter. Criteria: ICSL Variant Classification Criteria 13 December 2019. Collection method: clinical testing. Allele origin: germline.
Comment: This variant was observed in the ICSL laboratory as part of a predisposition screen in an ostensibly healthy population. It had not been previously curated by ICSL or reported in the Human Gene Mutation Database (HGMD: prior to June 1st, 2018), and was therefore a candidate for classification through an automated scoring system. Utilizing variant allele frequency, disease prevalence and penetrance estimates, and inheritance mode, an automated score was calculated to assess if this variant is too frequent to cause the disease. Based on the score and internal cut-off values, a variant classified as benign is not then subjected to further curation. The score for this variant resulted in a classification of benign for this disease.

Athena Diagnostics
Classification: Benign for Autosomal recessive distal spinal muscular atrophy 1. Last evaluated: 2017-04-14. Review status: criteria provided, single submitter. Criteria: Athena Diagnostics Criteria. Collection method: clinical testing. Allele origin: germline.

Laboratory for Molecular Medicine, Mass General Brigham Personalized Medicine
Classification: Benign. Last evaluated: 2016-03-28. Review status: criteria provided, single submitter. Criteria: LMM Criteria. Collection method: clinical testing. Allele origin: germline.
Comment: Variant identified in a genome or exome case(s) and assessed due to predicted null impact of the variant or pathogenic assertions in the literature or databases. Disclaimer: This variant has not undergone full assessment. The following are preliminary notes: 18% of total chromosomes in ExAC

Mayo Clinic Laboratories, Mayo Clinic
Classification: Benign. Last evaluated: 2016-03-02. Review status: criteria provided, single submitter. Criteria: ACMG Guidelines, 2015. Collection method: clinical testing. Allele origin: germline. Observed: 881 variant alleles.

GeneDx
Classification: Benign. Last evaluated: 2015-03-03. Review status: criteria provided, single submitter. Criteria: GeneDx Variant Classification Process June 2021. Collection method: clinical testing. Allele origin: germline. Affected: yes.

Breakthrough Genomics
Classification: Benign. Review status: criteria provided, single submitter. Criteria: ACMG Guidelines, 2015. Collection method: not provided. Allele origin: germline. Inheritance: Autosomal recessive inheritance. Affected: yes.

Molecular Genetics Laboratory, London Health Sciences Centre
Classification: Benign for Charcot-Marie-Tooth disease. Review status: criteria provided, single submitter. Criteria: ACMG Guidelines, 2015. Collection method: clinical testing. Allele origin: germline. Affected: yes.

PreventionGenetics, part of Exact Sciences
Classification: Benign. Review status: criteria provided, single submitter. Criteria: ACMG Guidelines, 2015. Collection method: clinical testing. Allele origin: germline.

Clinical Genetics, Academic Medical Center
Classification: Benign. Review status: no assertion criteria provided. Collection method: clinical testing. Allele origin: germline. Affected: yes. Study: VKGL Data-share Consensus. Not counted in ClinVar's aggregate classification.

Diagnostic Laboratory, Department of Genetics, University Medical Center Groningen
Classification: Benign for Autosomal recessive distal spinal muscular atrophy 1. Review status: no assertion criteria provided. Collection method: clinical testing. Allele origin: germline. Affected: yes. Study: VKGL Data-share Consensus. Not counted in ClinVar's aggregate classification.

NM_002180.3(IGHMBP2):c.823A>G (p.Ile275Val)

Gene: IGHMBP2 (immunoglobulin mu DNA binding protein 2; plus strand). Cytogenetic location: 11q13.3.
Variant type: single nucleotide variant.
Coding change: c.823A>G on transcript NM_002180.3 (MANE Select); coding-DNA position 823, A replaced by G.
Protein change: p.Ile275Val; replaces isoleucine 275 with valine.
Molecular consequence: missense variant.
Genome position (GRCh38, 1-based): chr11:68,914,934, A>G. VCF-style: chr11-68914934-A-G. GRCh37 (hg19) VCF-style: chr11-68682402-A-G.
Other names: short protein forms I275V.
Identifiers: ClinVar variation 258577 (VCV000258577.28), dbSNP rs10896380, ClinGen allele CA6153405.